The following is an entry in ClinVar:

NM_001367857.2(SATL1):c.907C>T (p.Gln303Ter)

Gene: SATL1 (spermidine/spermine N1-acetyl transferase like 1; minus strand). Cytogenetic location: Xq21.1.
Variant type: single nucleotide variant.
Coding change: c.907C>T on transcript NM_001367857.2 (MANE Select); coding-DNA position 907, C replaced by T.
Protein change: p.Gln303Ter; replaces glutamine 303 with a stop codon.
Molecular consequence: nonsense.
Genome position (GRCh38, 1-based): chrX:85,108,062, G>A on the plus strand (C>T on the coding strand, the complement: SATL1 is on the minus strand). VCF-style: chrX-85108062-G-A. GRCh37 (hg19) VCF-style: chrX-84363068-G-A.
Other names: c.907C>T, p.Gln303Ter (NM_001012980.2, NM_001367858.2); short protein forms Q303*.
Identifiers: ClinVar variation 3047371 (VCV003047371.2), dbSNP rs147066299, ClinGen allele CA10464407.

ClinVar aggregate classification (germline): Likely benign (0 of 4 stars; one submission).

Conditions:
SATL1-related disorder. Also called: SATL1-related condition.

Allele frequency attached by ClinVar (database versions not stated): gnomAD 0.00011; TOPMed 0.00016; gnomAD exomes 0.00041; 1000 Genomes Project 30x 0.00042; 1000 Genomes Project 0.00053; ExAC 0.00054.
gnomAD v4.1: 450 of 1,209,777 alleles (0.037%); highest among the groups gnomAD compares: East Asian, 1.3%; 1 homozygote.

Submission:

PreventionGenetics, part of Exact Sciences
Classification: Likely benign for SATL1-related condition. Last evaluated: 2022-05-10. Review status: no assertion criteria provided. Collection method: clinical testing. Allele origin: germline.
Comment: This variant is classified as likely benign based on ACMG/AMP sequence variant interpretation guidelines (Richards et al. 2015 PMID: 25741868, with internal and published modifications).